The following is an entry in ClinVar:

ClinVar aggregate classification (germline): Likely benign (1 of 4 stars; one submission).

gnomAD v4.1: 85 of 1,613,882 alleles (0.0053%); highest among the groups gnomAD compares: Non-Finnish European, 0.0071%; no homozygotes.

Submission:

CeGaT Center for Human Genetics Tuebingen
Classification: Likely benign. Last evaluated: 2025-07-01. Review status: criteria provided, single submitter. Criteria: CeGaT Center For Human Genetics Tuebingen Variant Classification Criteria Version 2. Collection method: clinical testing. Allele origin: germline. Affected: yes. Observed: 1 variant allele.
Comment: TRIO: BP4, BP7

NM_007118.4(TRIO):c.5673T>A (p.Ser1891=)

Gene: TRIO (trio Rho guanine nucleotide exchange factor; plus strand). Cytogenetic location: 5p15.2.
Variant type: single nucleotide variant.
Coding change: c.5673T>A on transcript NM_007118.4 (MANE Select); coding-DNA position 5673, T replaced by A.
Protein change: p.Ser1891=; no amino-acid change (serine 1891 retained).
Molecular consequence: synonymous variant. On other transcripts: non-coding transcript variant (1).
Genome position (GRCh38, 1-based): chr5:14,465,550, T>A. VCF-style: chr5-14465550-T-A. GRCh37 (hg19) VCF-style: chr5-14465659-T-A.
Identifiers: ClinVar variation 4084258 (VCV004084258.8).